The following is an entry in ClinVar:

NM_022765.4(MICAL1):c.524T>C (p.Ile175Thr)

Gene: MICAL1 (microtubule associated monooxygenase, calponin and LIM domain containing 1; minus strand). Cytogenetic location: 6q21.
Variant type: single nucleotide variant.
Coding change: c.524T>C on transcript NM_022765.4 (MANE Select); coding-DNA position 524, T replaced by C.
Protein change: p.Ile175Thr; replaces isoleucine 175 with threonine.
Molecular consequence: missense variant.
Genome position (GRCh38, 1-based): chr6:109,453,310, A>G on the plus strand (T>C on the coding strand, the complement: MICAL1 is on the minus strand). VCF-style: chr6-109453310-A-G. GRCh37 (hg19) VCF-style: chr6-109774513-A-G.
Other names: c.524T>C, p.Ile175Thr (NM_001159291.2); c.581T>C, p.Ile194Thr (NM_001286613.2); short protein forms I194T, I175T.
Identifiers: ClinVar variation 2823834 (VCV002823834.3), dbSNP rs2482812963, ClinGen allele CA365233126.

ClinVar aggregate classification (germline): Uncertain significance (1 of 4 stars; one submission).

Submission:

Labcorp Genetics (formerly Invitae), Labcorp
Classification: Uncertain significance. Last evaluated: 2022-12-24. Review status: criteria provided, single submitter. Criteria: Invitae Variant Classification Sherloc (09022015). Collection method: clinical testing. Allele origin: germline.
Comment: In summary, the available evidence is currently insufficient to determine the role of this variant in disease. Therefore, it has been classified as a Variant of Uncertain Significance. Algorithms developed to predict the effect of missense changes on protein structure and function (SIFT, PolyPhen-2, Align-GVGD) all suggest that this variant is likely to be disruptive. This variant has not been reported in the literature in individuals affected with MICAL1-related conditions. This sequence change replaces isoleucine, which is neutral and non-polar, with threonine, which is neutral and polar, at codon 194 of the MICAL1 protein (p.Ile194Thr). This variant is not present in population databases (gnomAD no frequency).